The following is an entry in ClinVar:

ClinVar aggregate classification (germline): Uncertain significance (1 of 4 stars; one submission).

Conditions:
Hereditary cancer-predisposing syndrome. Also called: Neoplastic Syndromes, Hereditary; Tumor predisposition; Hereditary neoplastic syndrome; Hereditary Cancer Syndrome. Identifiers: Orphanet 140162, MedGen C0027672, MeSH D009386, MONDO:0015356.

Submission:

Ambry Genetics
Classification: Uncertain significance for Hereditary cancer-predisposing syndrome. Last evaluated: 2020-08-21. Review status: criteria provided, single submitter. Criteria: Ambry Variant Classification Scheme 2023. Collection method: clinical testing. Allele origin: germline.
Comment: The p.N1355H variant (also known as c.4063A>C), located in coding exon 21 of the DICER1 gene, results from an A to C substitution at nucleotide position 4063. The asparagine at codon 1355 is replaced by histidine, an amino acid with similar properties. This amino acid position is highly conserved in available vertebrate species. In addition, the in silico prediction for this alteration is inconclusive. Since supporting evidence is limited at this time, the clinical significance of this alteration remains unclear.

NM_177438.3(DICER1):c.4063A>C (p.Asn1355His)

Gene: DICER1 (dicer 1, ribonuclease III; minus strand). Cytogenetic location: 14q32.13.
Variant type: single nucleotide variant.
Coding change: c.4063A>C on transcript NM_177438.3 (MANE Select); coding-DNA position 4063, A replaced by C.
Protein change: p.Asn1355His; replaces asparagine 1355 with histidine.
Molecular consequence: missense variant. On other transcripts: non-coding transcript variant (6).
Genome position (GRCh38, 1-based): chr14:95,099,923, T>G on the plus strand (A>C on the coding strand, the complement: DICER1 is on the minus strand). VCF-style: chr14-95099923-T-G. GRCh37 (hg19) VCF-style: chr14-95566260-T-G.
Other names: c.4063A>C, p.Asn1355His (NM_001195573.1, NM_001271282.3, NM_001291628.2 and 13 more transcripts); c.3781A>C, p.Asn1261His (NM_001395686.1); c.3658A>C, p.Asn1220His (NM_001395687.1, NM_001395688.1, NM_001395689.1 and 2 more transcripts); c.3496A>C, p.Asn1166His (NM_001395691.1); c.2380A>C, p.Asn794His (NM_001395697.1); short protein forms N1166H, N1220H, N1261H, N1355H, N794H.
Identifiers: ClinVar variation 3229400 (VCV003229400.1), dbSNP rs1595353916, ClinGen allele CA390872299.